The following is an entry in ClinVar:

NM_000059.4(BRCA2):c.1271C>T (p.Ser424Leu)

Gene: BRCA2 (BRCA2 DNA repair associated; plus strand). Cytogenetic location: 13q13.1.
Variant type: single nucleotide variant.
Coding change: c.1271C>T on transcript NM_000059.4 (MANE Select); coding-DNA position 1271, C replaced by T.
Protein change: p.Ser424Leu; replaces serine 424 with leucine.
Molecular consequence: missense variant.
Genome position (GRCh38, 1-based): chr13:32,332,749, C>T. VCF-style: chr13-32332749-C-T. GRCh37 (hg19) VCF-style: chr13-32906886-C-T.
Other names: short protein forms S424L.
Identifiers: ClinVar variation 629541 (VCV000629541.8), dbSNP rs1566223138, ClinGen allele CA387762383.

ClinVar aggregate classification (germline): Conflicting classifications of pathogenicity. Review status: criteria provided, conflicting classifications (1 of 4 stars). 3 submissions from 3 submitters: Uncertain significance (2); Likely benign (1). Last evaluated 2023-10-19.

Conditions:
Hereditary cancer-predisposing syndrome. Also called: Neoplastic Syndromes, Hereditary; Tumor predisposition; Hereditary neoplastic syndrome; Hereditary Cancer Syndrome. Identifiers: Orphanet 140162, MedGen C0027672, MeSH D009386, MONDO:0015356.
Hereditary breast ovarian cancer syndrome. Also called: Hereditary breast and ovarian cancer syndrome; Hereditary breast and ovarian cancer; Hereditary breast and ovarian cancer syndrome (HBOC); Breast and ovarian cancer; Hereditary breast and/or ovarian cancer syndrome; BRCA1- and BRCA2-Associated Hereditary Breast and Ovarian Cancer. Identifiers: Orphanet 145, MedGen C0677776, MeSH D061325, MONDO:0003582. Disease mechanism: loss of function.

Submissions (3):

Labcorp Genetics (formerly Invitae), Labcorp
Classification: Uncertain significance for Hereditary breast ovarian cancer syndrome. Last evaluated: 2023-10-19. Review status: criteria provided, single submitter. Criteria: Invitae Variant Classification Sherloc (09022015). Collection method: clinical testing. Allele origin: germline.
Comment: This sequence change replaces serine, which is neutral and polar, with leucine, which is neutral and non-polar, at codon 424 of the BRCA2 protein (p.Ser424Leu). This variant is not present in population databases (gnomAD no frequency). This variant has not been reported in the literature in individuals affected with BRCA2-related conditions. ClinVar contains an entry for this variant (Variation ID: 629541). Advanced modeling of protein sequence and biophysical properties (such as structural, functional, and spatial information, amino acid conservation, physicochemical variation, residue mobility, and thermodynamic stability) performed at Invitae indicates that this missense variant is not expected to disrupt BRCA2 protein function. In summary, the available evidence is currently insufficient to determine the role of this variant in disease. Therefore, it has been classified as a Variant of Uncertain Significance.

University of Washington Department of Laboratory Medicine, University of Washington
Classification: Likely benign for Hereditary cancer-predisposing syndrome. Last evaluated: 2023-03-23. Review status: criteria provided, single submitter. Criteria: Dines et al. (Genet Med. 2020). Collection method: curation. Allele origin: germline.
Comment: Missense variant in a coldspot region where missense variants are very unlikely to be pathogenic (PMID:31911673).

BRCA2 exon 10 coldspot. Reclassification based on statistical prior probability.

Color Diagnostics, LLC DBA Color Health
Classification: Uncertain significance for Hereditary cancer-predisposing syndrome. Last evaluated: 2019-05-29. Review status: criteria provided, single submitter. Criteria: ACMG Guidelines, 2015. Collection method: clinical testing. Allele origin: germline.